The following is an entry in ClinVar:

ClinVar aggregate classification (germline): Likely benign. Review status: criteria provided, single submitter (1 of 4 stars). 2 submissions from 2 submitters: Likely benign (1). 1 of the submissions does not count toward it. Last evaluated 2025-12-21.

Conditions:
CCDC88C-related disorder. Also called: CCDC88C-Related Disorders; CCDC88C-related condition.

Allele frequency attached by ClinVar (database versions not stated): gnomAD 0.00005 and 0.00006; TOPMed 0.00008; ExAC 0.00011; gnomAD exomes 0.00012 and 0.00015.
gnomAD v4.1: 225 of 1,601,204 alleles (0.014%); highest among the groups gnomAD compares: Middle Eastern, 0.017%; no homozygotes.

Submissions (2):

Labcorp Genetics (formerly Invitae), Labcorp
Classification: Likely benign. Last evaluated: 2025-12-21. Review status: criteria provided, single submitter. Criteria: Invitae Variant Classification Sherloc (09022015). Collection method: clinical testing. Allele origin: germline.

PreventionGenetics, part of Exact Sciences
Classification: Likely benign for CCDC88C-related condition. Last evaluated: 2019-10-28. Review status: no assertion criteria provided. Collection method: clinical testing. Allele origin: germline. Not counted in ClinVar's aggregate classification.
Comment: This variant is classified as likely benign based on ACMG/AMP sequence variant interpretation guidelines (Richards et al. 2015 PMID: 25741868, with internal and published modifications).

NM_001080414.4(CCDC88C):c.1666-5C>T

Gene: CCDC88C (coiled-coil and HOOK domain protein 88C; minus strand). Cytogenetic location: 14q32.11.
Variant type: single nucleotide variant.
Coding change: c.1666-5C>T on transcript NM_001080414.4 (MANE Select); 5 bases into the intron before coding-DNA position 1666, C replaced by T.
Molecular consequence: intron variant.
Genome position (GRCh38, 1-based): chr14:91,314,155, G>A on the plus strand (C>T on the coding strand, the complement: CCDC88C is on the minus strand). VCF-style: chr14-91314155-G-A. GRCh37 (hg19) VCF-style: chr14-91780499-G-A.
Identifiers: ClinVar variation 718129 (VCV000718129.8), dbSNP rs776976640, ClinGen allele CA7309844.